The following is an entry in ClinVar:

ClinVar aggregate classification (germline): Uncertain significance (1 of 4 stars; one submission).

gnomAD v4.1: 5 of 1,613,672 alleles (0.00031%); highest among the groups gnomAD compares: Non-Finnish European, 0.00042%; no homozygotes.

Submission:

Ambry Genetics
Classification: Uncertain significance. Last evaluated: 2024-11-21. Review status: criteria provided, single submitter. Criteria: Ambry Variant Classification Scheme 2023. Collection method: clinical testing. Allele origin: germline.
Comment: The p.T650R variant (also known as c.1949C>G), located in coding exon 10 of the ATRIP gene, results from a C to G substitution at nucleotide position 1949. The threonine at codon 650 is replaced by arginine, an amino acid with similar properties. This amino acid position is conserved. In addition, this alteration is predicted to be tolerated by in silico analysis. Based on the available evidence, the clinical significance of this variant remains unclear.

NM_130384.3(ATRIP):c.1949C>G (p.Thr650Arg)

Genes: ATRIP (ATR interacting protein; plus strand), ATRIP-TREX1 (ATRIP-TREX1 readthrough; plus strand). Cytogenetic location: 3p21.31.
Variant type: single nucleotide variant.
Coding change: c.1949C>G on transcript NM_130384.3 (MANE Select); coding-DNA position 1949, C replaced by G.
Protein change: p.Thr650Arg; replaces threonine 650 with arginine.
Molecular consequence: missense variant. On other transcripts: non-coding transcript variant (1).
Genome position (GRCh38, 1-based): chr3:48,464,107, C>G. VCF-style: chr3-48464107-C-G. GRCh37 (hg19) VCF-style: chr3-48505506-C-G.
Other names: c.1568C>G, p.Thr523Arg (NM_001271022.2); c.1670C>G, p.Thr557Arg (NM_001271023.2); c.1949C>G, p.Thr650Arg (NM_032166.4); short protein forms T523R, T650R, T557R.
Identifiers: ClinVar variation 3464197 (VCV003464197.1).